The following is an entry in ClinVar:

NM_001354712.2(THRB):c.*5533G>A

Gene: THRB (thyroid hormone receptor beta; minus strand). Cytogenetic location: 3p24.2.
Variant type: single nucleotide variant.
Coding change: c.*5533G>A on transcript NM_001354712.2 (MANE Select); 5533 bases downstream of the stop codon, G replaced by A.
Molecular consequence: 3 prime UTR variant.
Genome position (GRCh38, 1-based): chr3:24,117,351, C>T on the plus strand (G>A on the coding strand, the complement: THRB is on the minus strand). VCF-style: chr3-24117351-C-T. GRCh37 (hg19) VCF-style: chr3-24158842-C-T.
Other names: c.*5533G>A (NM_000461.5, NM_001128176.3, NM_001128177.2 and 8 more transcripts).
Identifiers: ClinVar variation 344534 (VCV000344534.5), dbSNP rs548437052, ClinGen allele CA10615499.

ClinVar aggregate classification (germline): Benign (1 of 4 stars; one submission).

Conditions:
Thyroid hormone resistance, generalized, autosomal dominant (GRTHD). Also called: HYPERTHYROXINEMIA, FAMILIAL EUTHYROID, SECONDARY TO PITUITARY AND PERIPHERAL RESISTANCE TO THYROID HORMONES. Identifiers: MedGen C2937288, MONDO:0008569, OMIM 188570.

Allele frequency attached by ClinVar (database versions not stated): 1000 Genomes Project 0.00120; 1000 Genomes Project 30x 0.00141; gnomAD 0.00399 and 0.00415; TOPMed 0.00399.

Submission:

Illumina Laboratory Services, Illumina
Classification: Benign for Thyroid hormone resistance, generalized, autosomal dominant. Last evaluated: 2018-01-13. Review status: criteria provided, single submitter. Criteria: ICSL Variant Classification Criteria 13 December 2019. Collection method: clinical testing. Allele origin: germline.
Comment: This variant was observed in the ICSL laboratory as part of a predisposition screen in an ostensibly healthy population. It had not been previously curated by ICSL or reported in the Human Gene Mutation Database (HGMD: prior to June 1st, 2018), and was therefore a candidate for classification through an automated scoring system. Utilizing variant allele frequency, disease prevalence and penetrance estimates, and inheritance mode, an automated score was calculated to assess if this variant is too frequent to cause the disease. Based on the score and internal cut-off values, a variant classified as benign is not then subjected to further curation. The score for this variant resulted in a classification of benign for this disease.